The following is an entry in ClinVar:

NM_004795.4(KL):c.906G>A (p.Trp302Ter)

Gene: KL (klotho; plus strand). Cytogenetic location: 13q13.1.
Variant type: single nucleotide variant.
Coding change: c.906G>A on transcript NM_004795.4 (MANE Select); coding-DNA position 906, G replaced by A.
Protein change: p.Trp302Ter; replaces tryptophan 302 with a stop codon.
Molecular consequence: nonsense.
Genome position (GRCh38, 1-based): chr13:33,053,853, G>A. VCF-style: chr13-33053853-G-A. GRCh37 (hg19) VCF-style: chr13-33627990-G-A.
Other names: short protein forms W302*.
Identifiers: ClinVar variation 1937966 (VCV001937966.5), dbSNP rs374266144, ClinGen allele CA6943992.

ClinVar aggregate classification (germline): Uncertain significance (1 of 4 stars; one submission).

Allele frequency attached by ClinVar (database versions not stated): ExAC 0.00002; TOPMed 0.00002; gnomAD 0.00003; ESP Exome Variant Server 0.00008; gnomAD exomes 0.00008.
gnomAD v4.1: 120 of 1,613,942 alleles (0.0074%); highest among the groups gnomAD compares: Non-Finnish European, 0.01%; no homozygotes.

Submission:

Labcorp Genetics (formerly Invitae), Labcorp
Classification: Uncertain significance. Last evaluated: 2022-09-19. Review status: criteria provided, single submitter. Criteria: Invitae Variant Classification Sherloc (09022015). Collection method: clinical testing. Allele origin: germline.
Comment: This sequence change creates a premature translational stop signal (p.Trp302*) in the KL gene. It is expected to result in an absent or disrupted protein product. However, the current clinical and genetic evidence is not sufficient to establish whether loss-of-function variants in KL cause disease. This variant is present in population databases (rs374266144, gnomAD 0.004%). This variant has not been reported in the literature in individuals affected with KL-related conditions. In summary, the available evidence is currently insufficient to determine the role of this variant in disease. Therefore, it has been classified as a Variant of Uncertain Significance.